The following is an entry in ClinVar:

ClinVar aggregate classification (germline): Uncertain significance (1 of 4 stars; one submission).

Conditions:
Arrhythmogenic cardiomyopathy with wooly hair and keratoderma. Also called: Carvajal syndrome; Dilated cardiomyopathy with woolly hair and keratoderma; Arrhythmogenic cardiomyopathy with woolly hair and keratoderma; PALMOPLANTAR KERATODERMA WITH LEFT VENTRICULAR CARDIOMYOPATHY AND WOOLLY HAIR. Identifiers: Orphanet 65282, MedGen C1854063, MONDO:0011581, OMIM 605676.
Arrhythmogenic right ventricular dysplasia 8 (ARVD8). Also called: Arrhythmogenic Right Ventricular Dysplasia/Cardiomyopathy 8; ARRHYTHMOGENIC RIGHT VENTRICULAR DYSPLASIA, FAMILIAL, 8; ARRHYTHMOGENIC RIGHT VENTRICULAR CARDIOMYOPATHY 8. Identifiers: MedGen C1843896, MONDO:0011831, OMIM 607450.

Submission:

Labcorp Genetics (formerly Invitae), Labcorp
Classification: Uncertain significance for Arrhythmogenic cardiomyopathy with wooly hair and keratoderma; Arrhythmogenic right ventricular dysplasia 8. Last evaluated: 2022-10-25. Review status: criteria provided, single submitter. Criteria: Invitae Variant Classification Sherloc (09022015). Collection method: clinical testing. Allele origin: germline.
Comment: This sequence change replaces leucine, which is neutral and non-polar, with arginine, which is basic and polar, at codon 2732 of the DSP protein (p.Leu2732Arg). This variant is not present in population databases (gnomAD no frequency). This variant has not been reported in the literature in individuals affected with DSP-related conditions. Algorithms developed to predict the effect of missense changes on protein structure and function (SIFT, PolyPhen-2, Align-GVGD) all suggest that this variant is likely to be disruptive. In summary, the available evidence is currently insufficient to determine the role of this variant in disease. Therefore, it has been classified as a Variant of Uncertain Significance.

NM_004415.4(DSP):c.8195T>G (p.Leu2732Arg)

Gene: DSP (desmoplakin; plus strand). Cytogenetic location: 6p24.3.
Variant type: single nucleotide variant.
Coding change: c.8195T>G on transcript NM_004415.4 (MANE Select); coding-DNA position 8195, T replaced by G.
Protein change: p.Leu2732Arg; replaces leucine 2732 with arginine.
Molecular consequence: missense variant.
Genome position (GRCh38, 1-based): chr6:7,585,457, T>G. VCF-style: chr6-7585457-T-G. GRCh37 (hg19) VCF-style: chr6-7585690-T-G.
Other names: c.6398T>G, p.Leu2133Arg (NM_001008844.3); c.6866T>G, p.Leu2289Arg (NM_001319034.2); short protein forms L2133R, L2289R, L2732R.
Identifiers: ClinVar variation 1722116 (VCV001722116.6), dbSNP rs2533950098, ClinGen allele CA362694648.
Genomic context (GRCh38, chr6:7,585,457, plus strand): 5'-CAGTGAAAGAAAAATGGCTCCCGTATGAGGCTGGCCAGCGCTTCCTGGAGTTCCAGTACC[T>G]CACGGGAGGTCTTGTTGACCCGGAAGTGCATGGGAGGATAAGCACCGAAGAAGCCATCCG-3'
Protein context (NP_004406.2, residues 2722-2742): AGQRFLEFQY[Leu2732Arg]TGGLVDPEVH